The following is an entry in ClinVar:

NM_002860.4(ALDH18A1):c.1152+4A>G

Gene: ALDH18A1 (aldehyde dehydrogenase 18 family member A1; minus strand). Cytogenetic location: 10q24.1.
Variant type: single nucleotide variant.
Coding change: c.1152+4A>G on transcript NM_002860.4 (MANE Select); 4 bases into the intron after coding-DNA position 1152, A replaced by G.
Molecular consequence: intron variant.
Genome position (GRCh38, 1-based): chr10:95,626,699, T>C on the plus strand (A>G on the coding strand, the complement: ALDH18A1 is on the minus strand). VCF-style: chr10-95626699-T-C. GRCh37 (hg19) VCF-style: chr10-97386456-T-C.
Other names: c.516+4A>G (NM_001323419.2); c.819+4A>G (NM_001323412.2, NM_001323416.2); c.1047+4A>G (NM_001323417.2); c.1146+4A>G (NM_001017423.2, NM_001323415.2); c.813+4A>G (NM_001323418.2); c.1152+4A>G (NM_001323413.2, NM_001323414.2).
Identifiers: ClinVar variation 3758228 (VCV003758228.2).
Genomic context (GRCh38, chr10:95,626,699, plus strand): 5'-CCTGTAACTACACAGCATGACTCACTCTGAAAACTATAACAATATTATCACCTAAGGTTA[T>C]TACCTGCTCAGGTTCCAAGGTGGCCAACATCCTTCCTCCAGATCGCGCCATTTCTCCCTG-3'

ClinVar aggregate classification (germline): Uncertain significance (1 of 4 stars; one submission).

Conditions:
Cutis laxa, autosomal dominant 3 (ADCL3). Identifiers: Orphanet 90348, MedGen C4225268, MONDO:0014706, OMIM 616603.
Autosomal dominant spastic paraplegia type 9. Identifiers: MedGen C1832669, MONDO:0015091.
de Barsy syndrome. Also called: Cutis laxa-corneal clouding-oligophrenia syndrome. Identifiers: Orphanet 2962, MedGen C0268354, MONDO:0017569.

gnomAD v4.1: 8 of 1,613,860 alleles (0.0005%); highest among the groups gnomAD compares: East Asian, 0.0022%; no homozygotes.

Submission:

Labcorp Genetics (formerly Invitae), Labcorp
Classification: Uncertain significance for Autosomal dominant spastic paraplegia type 9; de Barsy syndrome; Cutis laxa, autosomal dominant 3. Last evaluated: 2024-02-14. Review status: criteria provided, single submitter. Criteria: Invitae Variant Classification Sherloc (09022015). Collection method: clinical testing. Allele origin: germline.
Comment: This sequence change falls in intron 10 of the ALDH18A1 gene. It does not directly change the encoded amino acid sequence of the ALDH18A1 protein. It affects a nucleotide within the consensus splice site. This variant is present in population databases (no rsID available, gnomAD 0.0009%). This variant has not been reported in the literature in individuals affected with ALDH18A1-related conditions. Variants that disrupt the consensus splice site are a relatively common cause of aberrant splicing (PMID: 17576681, 9536098). Algorithms developed to predict the effect of sequence changes on RNA splicing suggest that this variant is not likely to affect RNA splicing. In summary, the available evidence is currently insufficient to determine the role of this variant in disease. Therefore, it has been classified as a Variant of Uncertain Significance.

Literature cited by the submitters: PubMed 17576681; PubMed 9536098.